The following is an entry in ClinVar:

NM_002439.5(MSH3):c.545C>A (p.Ser182Tyr)

Gene: MSH3 (mutS homolog 3; plus strand). Cytogenetic location: 5q14.1.
Variant type: single nucleotide variant.
Coding change: c.545C>A on transcript NM_002439.5 (MANE Select); coding-DNA position 545, C replaced by A.
Protein change: p.Ser182Tyr; replaces serine 182 with tyrosine.
Molecular consequence: missense variant.
Genome position (GRCh38, 1-based): chr5:80,665,329, C>A. VCF-style: chr5-80665329-C-A. GRCh37 (hg19) VCF-style: chr5-79961148-C-A.
Other names: short protein forms S182Y.
Identifiers: ClinVar variation 2858687 (VCV002858687.3), dbSNP rs769878887, ClinGen allele CA360264433.
Genomic context (GRCh38, chr5:80,665,329, plus strand): 5'-TTCTGCCAAAATGTACTGATTTTGATGATATCAGTCTTCTACACGCAAAGAATGCAGTTT[C>A]TTCTGAAGATTCGAAACGTCAAATTAATCAAAAGGTATGTAACTGCTATAGATGAGTATC-3'
Protein context (NP_002430.3, residues 172-192): ISLLHAKNAV[Ser182Tyr]SEDSKRQINQ

ClinVar aggregate classification (germline): Uncertain significance (1 of 4 stars; one submission).

Submission:

Labcorp Genetics (formerly Invitae), Labcorp
Classification: Uncertain significance. Last evaluated: 2023-04-23. Review status: criteria provided, single submitter. Criteria: Invitae Variant Classification Sherloc (09022015). Collection method: clinical testing. Allele origin: germline.
Comment: This sequence change replaces serine, which is neutral and polar, with tyrosine, which is neutral and polar, at codon 182 of the MSH3 protein (p.Ser182Tyr). This variant is not present in population databases (gnomAD no frequency). This variant has not been reported in the literature in individuals affected with MSH3-related conditions. An algorithm developed to predict the effect of missense changes on protein structure and function (PolyPhen-2) suggests that this variant is likely to be tolerated. In summary, the available evidence is currently insufficient to determine the role of this variant in disease. Therefore, it has been classified as a Variant of Uncertain Significance.